The following is an entry in ClinVar:

ClinVar aggregate classification (germline): Uncertain significance (1 of 4 stars; one submission).

gnomAD v4.1: 14 of 1,612,182 alleles (0.00087%); highest among the groups gnomAD compares: Non-Finnish European, 0.001%; no homozygotes.

Submission:

Labcorp Genetics (formerly Invitae), Labcorp
Classification: Uncertain significance. Last evaluated: 2021-12-19. Review status: criteria provided, single submitter. Criteria: Invitae Variant Classification Sherloc (09022015). Collection method: clinical testing. Allele origin: germline.
Comment: This sequence change replaces arginine, which is basic and polar, with cysteine, which is neutral and slightly polar, at codon 528 of the CDH23 protein (p.Arg528Cys). This variant is present in population databases (rs774145890, gnomAD 0.003%). This variant has not been reported in the literature in individuals affected with CDH23-related conditions. Algorithms developed to predict the effect of missense changes on protein structure and function are either unavailable or do not agree on the potential impact of this missense change (SIFT: "Deleterious"; PolyPhen-2: "Not Available"; Align-GVGD: "Class C25"). In summary, the available evidence is currently insufficient to determine the role of this variant in disease. Therefore, it has been classified as a Variant of Uncertain Significance.

NM_022124.6(CDH23):c.1582C>T (p.Arg528Cys)

Gene: CDH23 (cadherin related 23; plus strand). Cytogenetic location: 10q22.1.
Variant type: single nucleotide variant.
Coding change: c.1582C>T on transcript NM_022124.6 (MANE Select); coding-DNA position 1582, C replaced by T.
Protein change: p.Arg528Cys; replaces arginine 528 with cysteine.
Molecular consequence: missense variant.
Genome position (GRCh38, 1-based): chr10:71,677,523, C>T. VCF-style: chr10-71677523-C-T. GRCh37 (hg19) VCF-style: chr10-73437280-C-T.
Other names: c.1582C>T, p.Arg528Cys (NM_001171930.2, NM_001171931.2); short protein forms R528C.
Identifiers: ClinVar variation 2185983 (VCV002185983.1), dbSNP rs774145890, ClinGen allele CA5543895.